The following is an entry in ClinVar:

ClinVar aggregate classification (germline): Uncertain significance. Review status: criteria provided, multiple submitters, no conflicts (2 of 4 stars). 2 submissions from 2 submitters: Uncertain significance (2). Last evaluated 2023-09-20.

Conditions:
Very long chain acyl-CoA dehydrogenase deficiency (ACADVLD). Also called: Very Long-Chain Acyl-Coenzyme A Dehydrogenase Deficiency; VLCAD Deficiency. Identifiers: Orphanet 26793, MedGen C3887523, MONDO:0008723, OMIM 201475.

Allele frequency attached by ClinVar (database versions not stated): gnomAD exomes 0.00001.
gnomAD v4.1: 10 of 1,614,032 alleles (0.00062%); highest among the groups gnomAD compares: Non-Finnish European, 0.00076%; no homozygotes.

Submissions (2):

Labcorp Genetics (formerly Invitae), Labcorp
Classification: Uncertain significance for Very long chain acyl-CoA dehydrogenase deficiency. Last evaluated: 2023-09-20. Review status: criteria provided, single submitter. Criteria: Invitae Variant Classification Sherloc (09022015). Collection method: clinical testing. Allele origin: germline.
Comment: This sequence change replaces phenylalanine, which is neutral and non-polar, with cysteine, which is neutral and slightly polar, at codon 634 of the ACADVL protein (p.Phe634Cys). This variant is not present in population databases (gnomAD no frequency). This variant has not been reported in the literature in individuals affected with ACADVL-related conditions. ClinVar contains an entry for this variant (Variation ID: 932782). Advanced modeling of protein sequence and biophysical properties (such as structural, functional, and spatial information, amino acid conservation, physicochemical variation, residue mobility, and thermodynamic stability) performed at Invitae indicates that this missense variant is expected to disrupt ACADVL protein function. In summary, the available evidence is currently insufficient to determine the role of this variant in disease. Therefore, it has been classified as a Variant of Uncertain Significance.

Wong Mito Lab, Molecular and Human Genetics, Baylor College of Medicine
Classification: Uncertain significance for Very long chain acyl-CoA dehydrogenase deficiency. Last evaluated: 2019-11-01. Review status: criteria provided, single submitter. Criteria: ACMG Guidelines, 2015. Collection method: clinical testing. Allele origin: germline.
Comment: The NM_000018.3:c.1901T>G (NP_000009.1:p.Phe634Cys) [GRCH38: NC_000017.11:g.7225030T>G] variant in ACADVL gene is interpretated to be Uncertain Significance based on ACMG guidelines (PMID: 25741868). This variant has been reported. This variant meets the following evidence codes reported in the ACMG guidelines: PP3

NM_000018.4(ACADVL):c.1901T>G (p.Phe634Cys)

Gene: ACADVL (acyl-CoA dehydrogenase very long chain; plus strand). Cytogenetic location: 17p13.1.
Variant type: single nucleotide variant.
Coding change: c.1901T>G on transcript NM_000018.4 (MANE Select); coding-DNA position 1901, T replaced by G.
Protein change: p.Phe634Cys; replaces phenylalanine 634 with cysteine.
Molecular consequence: missense variant.
Genome position (GRCh38, 1-based): chr17:7,225,030, T>G. VCF-style: chr17-7225030-T-G. GRCh37 (hg19) VCF-style: chr17-7128349-T-G.
Other names: c.1835T>G, p.Phe612Cys (NM_001033859.3); c.1970T>G, p.Phe657Cys (NM_001270447.2); c.1673T>G, p.Phe558Cys (NM_001270448.2); short protein forms F612C, F558C, F634C, F657C.
Identifiers: ClinVar variation 932782 (VCV000932782.7), dbSNP rs2071412683, ClinGen allele CA397726139.